The following is an entry in ClinVar:

NM_000104.4(CYP1B1):c.9del (p.Ser4fs)

Gene: CYP1B1 (cytochrome P450 family 1 subfamily B member 1; minus strand). Cytogenetic location: 2p22.2.
Variant type: Deletion.
Coding change: c.9del on transcript NM_000104.4 (MANE Select); coding-DNA position 9, one base deleted (C; older notation c.9delC).
Protein change: p.Ser4fs; shifts the reading frame from serine 4.
Molecular consequence: frameshift variant.
Genome position (GRCh38, 1-based): chr2:38,075,380, G deleted on the plus strand (C on the coding strand, the reverse complement: CYP1B1 is on the minus strand); the first of 2 consecutive G bases (chr2:38,075,380-38,075,381); deleting either gives the same sequence. VCF-style (leftmost placement, unchanged base first): chr2-38075379-TG-T. GRCh37 (hg19) VCF-style: chr2-38302522-TG-T.
Other names: NM_000104.4(CYP1B1):c.9del; p.Ser4fs; short protein forms S4fs.
Identifiers: ClinVar variation 2687741 (VCV002687741.3).
Genomic context (GRCh38, chr2:38,075,379, plus strand): 5'-GGAGCGTGGTCTGCTGGATGGACAGCGGGTTTAGCGGCCAAGGGTCGTTCGGGCTGAGGC[TG>T]GTGCCCATGCTGGGGACAGAGAGGAGAAGGCGTGACACTCAGGGGTGCAGAGACAGGAGC-3'

ClinVar aggregate classification (germline): Pathogenic. Review status: reviewed by expert panel (3 of 4 stars). 2 submissions from 2 submitters: Pathogenic (1). 1 of the submissions does not count toward it. Last evaluated 2026-10-27.

Conditions:
CYP1B1-related glaucoma with or without anterior segment dysgenesis. Identifiers: MedGen CN375931, MONDO:0800472.
Glaucoma 3A. Also called: Glaucoma 3, primary congenital, A. Identifiers: Orphanet 98976, Orphanet 98977, MedGen C1856439, MONDO:0009277, OMIM 231300.

Submissions (2):

ClinGen Glaucoma Variant Curation Expert Panel
Classification: Pathogenic for CYP1B1-related glaucoma with or without anterior segment dysgenesis. Last evaluated: 2026-10-27. Review status: reviewed by expert panel. Criteria: ClinGen Glaucoma ACMG Specifications CYP1B1 V2.0. Collection method: curation. Allele origin: germline. Inheritance: Autosomal recessive inheritance.
Comment: The c.9del variant in CYP1B1 is a deletion of a single nucleotide, predicted to encode a frameshift with consequent premature termination of the protein at codon 10 of the frameshift (p.Ser4AlafsTer10). This variant was not found in any genetic ancestry group of gnomAD (v4.1), meeting the ≤ 0.0005 threshold set for PM2_Supporting in a genetic ancestry group of at least 2,000 alleles. This frameshift variant was predicted to undergo NMD, meeting PVS1. This variant has been identified in an individual with a CYP1B1-related phenotype. 1 affected segregation with a CYP1B1-related phenotype has been reported (PMID: 40169658), which fulfilled PP1. No functional evidence has been found for this variant. In summary, this variant met the criteria to receive a score of 10 and to be classified as pathogenic (pathogenic classification ≥ 10, adapted from PMID: 32720330) for CYP1B1-related glaucoma with or without anterior segment dysgenesis (ASD) based on the ACMG/AMP criteria met, as specified by the ClinGen Glaucoma VCEP (v2.0, 16.07.2026): PVS1, PP1, PM2_Supporting.

Institute of Basic Medical Sciences, Khyber Medical University, Peshawar
Classification: Pathogenic for Glaucoma 3A. Last evaluated: 2024-01-18. Review status: no assertion criteria provided. Collection method: research. Allele origin: germline. Inheritance: Autosomal recessive inheritance. Affected: yes. Observed: 1 homozygote. Not counted in ClinVar's aggregate classification.

Literature cited by the submitters: DOI 10.1038/s41436-019-0686-8 (cited by Institute of Basic Medical Sciences, Khyber Medical University, Peshawar).